The following is an entry in ClinVar:

ClinVar aggregate classification (germline): Uncertain significance. Review status: criteria provided, multiple submitters, no conflicts (2 of 4 stars). 2 submissions from 2 submitters: Uncertain significance (2). Last evaluated 2024-02-06.

Conditions:
Inborn genetic diseases. Identifiers: MedGen C0950123, MeSH D030342.

Allele frequency attached by ClinVar (database versions not stated): gnomAD exomes below 0.00001.
gnomAD v4.1: 1 of 1,613,932 alleles (0.000062%); highest among the groups gnomAD compares: Non-Finnish European, 0.000085%; no homozygotes.

Submissions (2):

Labcorp Genetics (formerly Invitae), Labcorp
Classification: Uncertain significance. Last evaluated: 2024-02-06. Review status: criteria provided, single submitter. Criteria: Invitae Variant Classification Sherloc (09022015). Collection method: clinical testing. Allele origin: germline.
Comment: This sequence change replaces proline, which is neutral and non-polar, with histidine, which is basic and polar, at codon 914 of the COL11A1 protein (p.Pro914His). This variant is not present in population databases (gnomAD no frequency). This variant has not been reported in the literature in individuals affected with COL11A1-related conditions. ClinVar contains an entry for this variant (Variation ID: 1478883). Advanced modeling of protein sequence and biophysical properties (such as structural, functional, and spatial information, amino acid conservation, physicochemical variation, residue mobility, and thermodynamic stability) performed at Invitae indicates that this missense variant is not expected to disrupt COL11A1 protein function with a negative predictive value of 80%. In summary, the available evidence is currently insufficient to determine the role of this variant in disease. Therefore, it has been classified as a Variant of Uncertain Significance.

Ambry Genetics
Classification: Uncertain significance for Inborn genetic diseases. Last evaluated: 2022-12-06. Review status: criteria provided, single submitter. Criteria: Ambry Variant Classification Scheme 2023. Collection method: clinical testing. Allele origin: germline.

NM_001854.4(COL11A1):c.2741C>A (p.Pro914His)

Gene: COL11A1 (collagen type XI alpha 1 chain; minus strand). Cytogenetic location: 1p21.1.
Variant type: single nucleotide variant.
Coding change: c.2741C>A on transcript NM_001854.4 (MANE Select); coding-DNA position 2741, C replaced by A.
Protein change: p.Pro914His; replaces proline 914 with histidine.
Molecular consequence: missense variant. On other transcripts: non-coding transcript variant (1).
Genome position (GRCh38, 1-based): chr1:102,978,721, G>T on the plus strand (C>A on the coding strand, the complement: COL11A1 is on the minus strand). VCF-style: chr1-102978721-G-T. GRCh37 (hg19) VCF-style: chr1-103444277-G-T.
Other names: c.2624C>A, p.Pro875His (NM_001190709.2); c.2777C>A, p.Pro926His (NM_080629.3); c.2393C>A, p.Pro798His (NM_080630.4); c.2741C>A (NM_001854.3); short protein forms P798H, P914H, P926H, P875H.
Identifiers: ClinVar variation 1478883 (VCV001478883.7), dbSNP rs2101678875, ClinGen allele CA341162909.